The following is an entry in ClinVar:

ClinVar aggregate classification (germline): Uncertain significance (1 of 4 stars; one submission).

Allele frequency attached by ClinVar (database versions not stated): gnomAD 0.00001; ESP Exome Variant Server 0.00008.
gnomAD v4.1: 4 of 1,614,074 alleles (0.00025%); highest among the groups gnomAD compares: Non-Finnish European, 0.00034%; no homozygotes.

Submission:

Labcorp Genetics (formerly Invitae), Labcorp
Classification: Uncertain significance. Last evaluated: 2022-08-01. Review status: criteria provided, single submitter. Criteria: Invitae Variant Classification Sherloc (09022015). Collection method: clinical testing. Allele origin: germline.
Comment: In summary, the available evidence is currently insufficient to determine the role of this variant in disease. Therefore, it has been classified as a Variant of Uncertain Significance. Algorithms developed to predict the effect of missense changes on protein structure and function (SIFT, PolyPhen-2, Align-GVGD) all suggest that this variant is likely to be disruptive. This variant has not been reported in the literature in individuals affected with SZT2-related conditions. This variant is present in population databases (rs371683327, gnomAD 0.002%). This sequence change replaces arginine, which is basic and polar, with leucine, which is neutral and non-polar, at codon 2900 of the SZT2 protein (p.Arg2900Leu).

NM_001365999.1(SZT2):c.8870G>T (p.Arg2957Leu)

Gene: SZT2 (SZT2 subunit of KICSTOR complex; plus strand). Cytogenetic location: 1p34.2.
Variant type: single nucleotide variant.
Coding change: c.8870G>T on transcript NM_001365999.1 (MANE Select); coding-DNA position 8870, G replaced by T.
Protein change: p.Arg2957Leu; replaces arginine 2957 with leucine.
Molecular consequence: missense variant.
Genome position (GRCh38, 1-based): chr1:43,445,938, G>T. VCF-style: chr1-43445938-G-T. GRCh37 (hg19) VCF-style: chr1-43911609-G-T.
Other names: c.311G>T, p.Arg104Leu (NM_024547.1); c.8699G>T, p.Arg2900Leu (NM_015284.4); short protein forms R2900L, R104L, R2957L.
Identifiers: ClinVar variation 2183814 (VCV002183814.4), dbSNP rs371683327, ClinGen allele CA810729.